The following is an entry in ClinVar:

ClinVar aggregate classification (germline): Pathogenic (1 of 4 stars; one submission).

Conditions:
Neurofibromatosis, type 2 (SWNV). Also called: SCHWANNOMATOSIS, VESTIBULAR; BILATERAL ACOUSTIC NEUROFIBROMATOSIS; NF2-Related Schwannomatosis. Identifiers: Orphanet 637, MedGen C0027832, MONDO:0007039, OMIM 101000. Disease mechanism: loss of function.

Submission:

Labcorp Genetics (formerly Invitae), Labcorp
Classification: Pathogenic for Neurofibromatosis, type 2. Last evaluated: 2022-04-11. Review status: criteria provided, single submitter. Criteria: Invitae Variant Classification Sherloc (09022015). Collection method: clinical testing. Allele origin: germline.
Comment: A similar copy number variant has been observed in individual(s) with Neurofibromatosis type 2 (PMID: 19968670). This variant is a gross deletion of the genomic region encompassing exon(s) 13-15 of the NF2 gene. While this deletion is not anticipated to lead to nonsense mediated decay, it is expected to disrupt the C-terminus of the protein. This variant disrupts a region of the NF2 protein in which other variant(s) (Deletion (Exons 14-15)) have been determined to be pathogenic (Invitae). This suggests that this is a clinically significant region of the protein, and that variants that disrupt it are likely to be disease-causing. For these reasons, this variant has been classified as Pathogenic.

Literature cited by the submitters: PubMed 19968670.

NC_000022.10:g.(?_30070815)_(30077600_?)del

Gene: NF2 (NF2, moesin-ezrin-radixin like (MERLIN) tumor suppressor; plus strand). Cytogenetic location: 22q12.2.
Variant type: Deletion.
Identifiers: ClinVar variation 2422753 (VCV002422753.8).